The following is an entry in ClinVar:

ClinVar aggregate classification (germline): Uncertain significance (1 of 4 stars; one submission).

Submission:

GeneDx
Classification: Uncertain significance. Last evaluated: 2021-04-26. Review status: criteria provided, single submitter. Criteria: GeneDx Variant Classification Process June 2021. Collection method: clinical testing. Allele origin: germline. Affected: yes.
Comment: Not observed in large population cohorts (Lek et al., 2016); In silico analysis supports that this missense variant does not alter protein structure/function; Has not been previously published as pathogenic or benign to our knowledge

NM_015100.4(POGZ):c.1085C>T (p.Ser362Phe)

Gene: POGZ (pogo transposable element derived with ZNF domain; minus strand). Cytogenetic location: 1q21.3.
Variant type: single nucleotide variant.
Coding change: c.1085C>T on transcript NM_015100.4 (MANE Select); coding-DNA position 1085, C replaced by T.
Protein change: p.Ser362Phe; replaces serine 362 with phenylalanine.
Molecular consequence: missense variant.
Genome position (GRCh38, 1-based): chr1:151,425,055, G>A on the plus strand (C>T on the coding strand, the complement: POGZ is on the minus strand). VCF-style: chr1-151425055-G-A. GRCh37 (hg19) VCF-style: chr1-151397531-G-A.
Other names: c.1058C>T, p.Ser353Phe (NM_001194937.2); c.899C>T, p.Ser300Phe (NM_001194938.2); c.800C>T, p.Ser267Phe (NM_145796.4); c.926C>T, p.Ser309Phe (NM_207171.2); short protein forms S267F, S300F, S309F, S353F, S362F.
Identifiers: ClinVar variation 1314865 (VCV001314865.2), dbSNP rs2102278271, ClinGen allele CA341974395.